The following is an entry in ClinVar:

ClinVar aggregate classification (germline): Conflicting classifications of pathogenicity. Review status: criteria provided, conflicting classifications (1 of 4 stars). 2 submissions from 2 submitters: Likely pathogenic (1); Uncertain significance (1). Last evaluated 2021-07-26.

Conditions:
Nonsyndromic genetic hearing loss. Also called: Non-syndromic genetic deafness; Nonsyndromic genetic deafness; Nonsyndromic hearing loss and deafness. Identifiers: Orphanet 87884, MedGen C5680182, MONDO:0019497.

Allele frequency attached by ClinVar (database versions not stated): gnomAD exomes below 0.00001.

Submissions (2):

Labcorp Genetics (formerly Invitae), Labcorp
Classification: Likely pathogenic. Last evaluated: 2021-07-26. Review status: criteria provided, single submitter. Criteria: Invitae Variant Classification Sherloc (09022015). Collection method: clinical testing. Allele origin: germline.
Comment: In summary, the currently available evidence indicates that the variant is pathogenic, but additional data are needed to prove that conclusively. Therefore, this variant has been classified as Likely Pathogenic. This variant disrupts the p.Ala78 amino acid residue in GJB2. Other variant(s) that disrupt this residue have been determined to be pathogenic (PMID: 14556203, 24256046; Invitae). This suggests that this residue is clinically significant, and that variants that disrupt this residue are likely to be disease-causing. Advanced modeling of protein sequence and biophysical properties (such as structural, functional, and spatial information, amino acid conservation, physicochemical variation, residue mobility, and thermodynamic stability) performed at Invitae indicates that this missense variant is expected to disrupt GJB2 protein function. ClinVar contains an entry for this variant (Variation ID: 975155). This variant has been observed in individual(s) with autosomal recessive non-syndromic deafness (PMID: 24158611). This variant is not present in population databases (ExAC no frequency). This sequence change replaces alanine with serine at codon 78 of the GJB2 protein (p.Ala78Ser). The alanine residue is highly conserved and there is a moderate physicochemical difference between alanine and serine.

INGEBI, INGEBI / CONICET
Classification: Uncertain significance for Nonsyndromic hearing loss and deafness. Last evaluated: 2020-08-04. Review status: criteria provided, single submitter. Criteria: ClinGen HL ACMG Specifications v1. Collection method: clinical testing. Allele origin: germline. Inheritance: Autosomal recessive inheritance. Affected: yes. Observed: 1 variant allele.
Comment: Based on ACMG/AMP guidelines and Hearing Loss Expert Panel specific criteria: the c.232G>T variant in GJB2 gene p.(Ala78Ser) is absent from population databases (gnomAD, GO-ESP, 1000 genomes) meeting PM2 criteria. Computational evidence suggests a damaging impact to the protein (REVEL score: 0.854; PP3). A previous missense variant in the same codon p.(Ala78Thr) was reported as pathogenic in a Chinese family with two affected siblings (PMID:14556203) meeting PM5 rule. The p.(Ala78Ser) has been identified in heterozygous state in a patient with prelingual hearing loss. Considering all the information (PM2, PP3 and PM5) the variant has been classified as Uncertain Significance for autosomal recessive hearing loss.

Literature cited by the submitters: PubMed 14556203 (cited by Labcorp Genetics (formerly Invitae), Labcorp and INGEBI, INGEBI / CONICET); PubMed 24256046 (cited by Labcorp Genetics (formerly Invitae), Labcorp); PubMed 24158611 (cited by Labcorp Genetics (formerly Invitae), Labcorp and INGEBI, INGEBI / CONICET).

NM_004004.6(GJB2):c.232G>T (p.Ala78Ser)

Gene: GJB2 (gap junction protein beta 2; minus strand). Cytogenetic location: 13q12.11.
Variant type: single nucleotide variant.
Coding change: c.232G>T on transcript NM_004004.6 (MANE Select); coding-DNA position 232, G replaced by T.
Protein change: p.Ala78Ser; replaces alanine 78 with serine.
Molecular consequence: missense variant.
Genome position (GRCh38, 1-based): chr13:20,189,350, C>A on the plus strand (G>T on the coding strand, the complement: GJB2 is on the minus strand). VCF-style: chr13-20189350-C-A. GRCh37 (hg19) VCF-style: chr13-20763489-C-A.
Other names: short protein forms A78S.
Identifiers: ClinVar variation 975155 (VCV000975155.9), dbSNP rs1959060696, ClinGen allele CA387461572.